The following is an entry in ClinVar:

NM_182746.3(MCM4):c.1680A>G (p.Thr560=)

Gene: MCM4 (minichromosome maintenance complex component 4; plus strand). Cytogenetic location: 8q11.21.
Variant type: single nucleotide variant.
Coding change: c.1680A>G on transcript NM_182746.3 (MANE Select); coding-DNA position 1680, A replaced by G.
Protein change: p.Thr560=; no amino-acid change (threonine 560 retained).
Molecular consequence: synonymous variant.
Genome position (GRCh38, 1-based): chr8:47,970,756, A>G. VCF-style: chr8-47970756-A-G. GRCh37 (hg19) VCF-style: chr8-48883316-A-G.
Other names: c.1680A>G, p.Thr560= (NM_005914.4).
Identifiers: ClinVar variation 1452352 (VCV001452352.10), dbSNP rs752235322, ClinGen allele CA4742670.
Genomic context (GRCh38, chr8:47,970,756, plus strand): 5'-AGTTGGCCTCACTGCGTACGTAATGAAAGACCCTGAGACAAGGCAGCTGGTCCTGCAGAC[A>G]GGTGCTCTTGTCCTGAGTGACAACGGCATCTGCTGTATCGATGAGTTCGACAAGATGAAT-3'
Protein context (NP_877423.1, residues 550-570): DPETRQLVLQ[Thr560=]GALVLSDNGI

ClinVar aggregate classification (germline): Likely benign. Review status: criteria provided, multiple submitters, no conflicts (2 of 4 stars). 2 submissions from 2 submitters: Likely benign (2). Last evaluated 2026-07-01.

Allele frequency attached by ClinVar (database versions not stated): ExAC 0.00002; gnomAD exomes 0.00002; TOPMed 0.00002; gnomAD 0.00003.
gnomAD v4.1: 43 of 1,614,116 alleles (0.0027%); highest among the groups gnomAD compares: Non-Finnish European, 0.0034%; no homozygotes.

Submissions (2):

CeGaT Center for Human Genetics Tuebingen
Classification: Likely benign. Last evaluated: 2026-07-01. Review status: criteria provided, single submitter. Criteria: CeGaT Center For Human Genetics Tuebingen Variant Classification Criteria Version 2. Collection method: clinical testing. Allele origin: germline. Affected: yes. Observed: 1 variant allele.
Comment: MCM4: BP4, BP7

Labcorp Genetics (formerly Invitae), Labcorp
Classification: Likely benign. Last evaluated: 2025-12-06. Review status: criteria provided, single submitter. Criteria: Invitae Variant Classification Sherloc (09022015). Collection method: clinical testing. Allele origin: germline.